The following is an entry in ClinVar:

ClinVar aggregate classification (germline): Uncertain significance (1 of 4 stars; one submission).

Conditions:
Alstrom syndrome (ALMS). Identifiers: Orphanet 64, MedGen C0268425, MONDO:0008763, OMIM 203800.

Allele frequency attached by ClinVar (database versions not stated): gnomAD exomes below 0.00001; ExAC 0.00002.
gnomAD v4.1: 4 of 1,614,164 alleles (0.00025%); highest among the groups gnomAD compares: Non-Finnish European, 0.00025%; no homozygotes.

Submission:

Labcorp Genetics (formerly Invitae), Labcorp
Classification: Uncertain significance for Alstrom syndrome. Last evaluated: 2022-07-18. Review status: criteria provided, single submitter. Criteria: Invitae Variant Classification Sherloc (09022015). Collection method: clinical testing. Allele origin: germline.
Comment: This sequence change replaces aspartic acid, which is acidic and polar, with glycine, which is neutral and non-polar, at codon 3125 of the ALMS1 protein (p.Asp3125Gly). This variant is present in population databases (rs766261652, gnomAD 0.002%). This variant has not been reported in the literature in individuals affected with ALMS1-related conditions. Experimental studies and prediction algorithms are not available or were not evaluated, and the functional significance of this variant is currently unknown. In summary, the available evidence is currently insufficient to determine the role of this variant in disease. Therefore, it has been classified as a Variant of Uncertain Significance.

NM_001378454.1(ALMS1):c.9371A>G (p.Asp3124Gly)

Gene: ALMS1 (ALMS1 centrosome and basal body associated protein; plus strand). Cytogenetic location: 2p13.1.
Variant type: single nucleotide variant.
Coding change: c.9371A>G on transcript NM_001378454.1 (MANE Select); coding-DNA position 9371, A replaced by G.
Protein change: p.Asp3124Gly; replaces aspartic acid 3124 with glycine.
Molecular consequence: missense variant.
Genome position (GRCh38, 1-based): chr2:73,491,330, A>G. VCF-style: chr2-73491330-A-G. GRCh37 (hg19) VCF-style: chr2-73718457-A-G.
Other names: c.9374A>G, p.Asp3125Gly (NM_015120.4); short protein forms D3124G, D3125G.
Identifiers: ClinVar variation 1966471 (VCV001966471.2), dbSNP rs766261652, ClinGen allele CA1714645.